The following is an entry in ClinVar:

ClinVar aggregate classification (germline): Uncertain significance (1 of 4 stars; one submission).

Conditions:
Catecholaminergic polymorphic ventricular tachycardia (CVPT). Also called: Catecholamine-induced polymorphic ventricular tachycardia. Identifiers: Orphanet 3286, MedGen C5574922, MONDO:0017990.

gnomAD v4.1: 1 of 1,613,870 alleles (0.000062%); highest among the groups gnomAD compares: Non-Finnish European, 0.000085%; no homozygotes.

Submission:

All of Us Research Program, National Institutes of Health
Classification: Uncertain significance for Catecholaminergic polymorphic ventricular tachycardia. Last evaluated: 2024-01-11. Review status: criteria provided, single submitter. Criteria: ACMG Guidelines, 2015. Collection method: clinical testing. Allele origin: germline. Inheritance: Autosomal dominant inheritance. Observed: 1 variant allele, 1 heterozygote.
Comment: This study involves interpretation of variants in research participants for the purpose of population health screening. Participant phenotype was not available at the time of variant classification. Additional details can be found in publication PMID: 35346344, PMCID: PMC8962531

NM_001035.3(RYR2):c.5253C>G (p.Ile1751Met)

Gene: RYR2 (ryanodine receptor 2; plus strand). Cytogenetic location: 1q43.
Variant type: single nucleotide variant.
Coding change: c.5253C>G on transcript NM_001035.3 (MANE Select); coding-DNA position 5253, C replaced by G.
Protein change: p.Ile1751Met; replaces isoleucine 1751 with methionine.
Molecular consequence: missense variant.
Genome position (GRCh38, 1-based): chr1:237,614,381, C>G. VCF-style: chr1-237614381-C-G. GRCh37 (hg19) VCF-style: chr1-237777681-C-G.
Other names: short protein forms I1751M.
Identifiers: ClinVar variation 3075215 (VCV003075215.1), dbSNP rs745565940, ClinGen allele CA345404573.